The following is an entry in ClinVar:

NM_004563.4(PCK2):c.1079C>T (p.Thr360Ile)

Genes: NRL (neural retina leucine zipper; minus strand), PCK2 (phosphoenolpyruvate carboxykinase 2, mitochondrial; plus strand). Cytogenetic location: 14q12.
Variant type: single nucleotide variant.
Coding change: c.1079C>T on transcript NM_004563.4 (MANE Select); coding-DNA position 1079, C replaced by T.
Protein change: p.Thr360Ile; replaces threonine 360 with isoleucine.
Molecular consequence: missense variant. On other transcripts: intron variant (3).
Genome position (GRCh38, 1-based): chr14:24,100,058, C>T. VCF-style: chr14-24100058-C-T. GRCh37 (hg19) VCF-style: chr14-24569267-C-T.
Other names: c.1079C>T, p.Thr360Ile (NM_001018073.3); c.677C>T, p.Thr226Ile (NM_001291556.2, NM_001308054.2); c.-28+14664G>A (NM_001354768.3, NM_001354770.2); c.-254+14664G>A (NM_006177.5); c.1079C>T (NM_004563.3); short protein forms T226I, T360I.
Identifiers: ClinVar variation 993618 (VCV000993618.18), dbSNP rs141823645, ClinGen allele CA7123363.
Genomic context (GRCh38, chr14:24,100,058, plus strand): 5'-GACTCCGGGCCATCAACCCTGAGAACGGCTTCTTTGGGGTTGCCCCTGGTACCTCTGCCA[C>T]CACCAATCCCAACGCCATGGCTACAATCCAGAGTAACACTATTTTTACCAATGTGGCTGA-3'
Protein context (NP_004554.3, residues 350-370): FFGVAPGTSA[Thr360Ile]TNPNAMATIQ

ClinVar aggregate classification (germline): Uncertain significance. Review status: criteria provided, multiple submitters, no conflicts (2 of 4 stars). 5 submissions from 5 submitters: Uncertain significance (4). 1 of the submissions does not count toward it. Last evaluated 2025-12-15.

Conditions:
PCK2-related disorder. Also called: PCK2-related condition.

Allele frequency attached by ClinVar (database versions not stated): ESP Exome Variant Server 0.00015; 1000 Genomes Project 30x 0.00016; 1000 Genomes Project 0.00020; gnomAD 0.00020 and 0.00021; ExAC 0.00026; gnomAD exomes 0.00034 and 0.00037; TOPMed 0.00038.
gnomAD v4.1: 572 of 1,613,360 alleles (0.035%); highest among the groups gnomAD compares: Middle Eastern, 0.5%; 3 homozygotes.

Submissions (5):

Ambry Genetics
Classification: Uncertain significance. Last evaluated: 2025-12-15. Review status: criteria provided, single submitter. Criteria: Ambry Variant Classification Scheme 2023. Collection method: clinical testing. Allele origin: germline.

Labcorp Genetics (formerly Invitae), Labcorp
Classification: Uncertain significance. Last evaluated: 2025-10-27. Review status: criteria provided, single submitter. Criteria: Invitae Variant Classification Sherloc (09022015). Collection method: clinical testing. Allele origin: germline.
Comment: This sequence change replaces threonine, which is neutral and polar, with isoleucine, which is neutral and non-polar, at codon 360 of the PCK2 protein (p.Thr360Ile). This variant is present in population databases (rs141823645, gnomAD 0.07%), and has an allele count higher than expected for a pathogenic variant. This variant has not been reported in the literature in individuals affected with PCK2-related conditions. ClinVar contains an entry for this variant (Variation ID: 993618). Invitae Evidence Modeling of protein sequence and biophysical properties (such as structural, functional, and spatial information, amino acid conservation, physicochemical variation, residue mobility, and thermodynamic stability) indicates that this missense variant is not expected to disrupt PCK2 protein function with a negative predictive value of 80%. In summary, the available evidence is currently insufficient to determine the role of this variant in disease. Therefore, it has been classified as a Variant of Uncertain Significance.

ARUP Laboratories, Molecular Genetics and Genomics, ARUP Laboratories
Classification: Uncertain significance. Last evaluated: 2019-09-27. Review status: criteria provided, single submitter. Criteria: ARUP Molecular Germline Variant Investigation Process. Collection method: clinical testing. Allele origin: germline.
Comment: The p.Thr360Ile variant (rs141823645) has not been reported in the medical literature, is not listed in gene-specific variant databases, nor has it been previously identified in our laboratory. It is listed in the ESP with an overall allele frequency of 0.02% (identified in 2 out of 13,006 chromosomes), and in the ExAC browser with an overall frequency of 0.03% (identified in 32 out of 120,778 chromosomes, including 1 homozygote). The threonine at codon 360 is moderately conserved considering 12 species (Alamut software v2.8.1), and computational analyses return mixed results regarding the effect of this variant on PCK2 protein structure/function (SIFT: damaging, PolyPhen2: benign, and Mutation Taster: polymorphism). Thus, based on the available information, the clinical significance of the p.Thr360Ile variant cannot be determined with certainty.

Breakthrough Genomics
Classification: Uncertain significance. Review status: criteria provided, single submitter. Criteria: ACMG Guidelines, 2015. Collection method: not provided. Allele origin: germline. Inheritance: Autosomal recessive inheritance. Affected: yes.

PreventionGenetics, part of Exact Sciences
Classification: Uncertain significance for PCK2-related condition. Last evaluated: 2024-04-02. Review status: no assertion criteria provided. Collection method: clinical testing. Allele origin: germline. Not counted in ClinVar's aggregate classification.
Comment: The PCK2 c.1079C>T variant is predicted to result in the amino acid substitution p.Thr360Ile. To our knowledge, this variant has not been reported in the literature. This variant is reported in 0.068% of alleles in individuals of Latino descent in gnomAD. At this time, the clinical significance of this variant is uncertain due to the absence of conclusive functional and genetic evidence.